The following is an entry in ClinVar:

NM_000152.5(GAA):c.858+6GCGGCGG[3]

Gene: GAA (alpha glucosidase; plus strand). Cytogenetic location: 17q25.3.
Variant type: Microsatellite.
Coding change: c.858+6GCGGCGG[3] on transcript NM_000152.5 (MANE Select); three copies in a row of the 7-base unit GCGGCGG starting at c.858+6.
Molecular consequence: intron variant.
Genome position: GRCh38 VCF-style: chr17-80107727-A-AGCGGCGG. GRCh37 (hg19) VCF-style: chr17-78081526-A-AGCGGCGG.
Other names: p.?; c.858+6GCGGCGG[3] (NM_001079803.3, NM_001079804.3); c.858+17_858+23dup (NM_000152.5); c.858+17_858+23dupCGGGCGG (NM_000152.3).
Identifiers: ClinVar variation 167110 (VCV000167110.17), dbSNP rs1555599723, ClinGen allele CA180075.

ClinVar aggregate classification (germline): Benign/Likely benign. Review status: criteria provided, multiple submitters, no conflicts (2 of 4 stars). 6 submissions from 6 submitters: Benign (1); Likely benign (5). Last evaluated 2026-01-25.

Conditions:
Glycogen storage disease, type II (IOPD). Also called: CARDIOMEGALIA GLYCOGENICA DIFFUSA; GLYCOGENOSIS, GENERALIZED, CARDIAC FORM; GSD II; Glycogen storage disease type 2; Acid maltase deficiency disease; Aglucosidase alfa. Identifiers: Orphanet 365, MedGen C0017921, MONDO:0009290, OMIM 232300.

Submissions (6):

Labcorp Genetics (formerly Invitae), Labcorp
Classification: Likely benign for Glycogen storage disease, type II. Last evaluated: 2026-01-25. Review status: criteria provided, single submitter. Criteria: Invitae Variant Classification Sherloc (09022015). Collection method: clinical testing. Allele origin: germline.

Blueprint Genetics
Classification: Likely benign. Last evaluated: 2024-10-09. Review status: criteria provided, single submitter. Criteria: ACMG Guidelines, 2015. Collection method: clinical testing. Allele origin: germline.

Mayo Clinic Laboratories, Mayo Clinic
Classification: Likely benign. Last evaluated: 2024-03-11. Review status: criteria provided, single submitter. Criteria: ACMG Guidelines, 2015. Collection method: clinical testing. Allele origin: germline. Observed: 4 variant alleles.
Comment: BP4, BP7

ARUP Laboratories, Molecular Genetics and Genomics, ARUP Laboratories
Classification: Likely benign for Glycogen storage disease, type II. Last evaluated: 2022-03-07. Review status: criteria provided, single submitter. Criteria: ARUP Molecular Germline Variant Investigation Process 2021. Collection method: clinical testing. Allele origin: germline.

GeneDx
Classification: Likely benign. Last evaluated: 2017-09-12. Review status: criteria provided, single submitter. Criteria: GeneDx Variant Classification (06012015). Collection method: clinical testing. Allele origin: germline. Affected: yes.
Comment: This variant is considered likely benign or benign based on one or more of the following criteria: it is a conservative change, it occurs at a poorly conserved position in the protein, it is predicted to be benign by multiple in silico algorithms, and/or has population frequency not consistent with disease.

Eurofins Ntd Llc (ga)
Classification: Benign. Last evaluated: 2013-12-06. Review status: criteria provided, single submitter. Criteria: EGL Classification Definitions. Collection method: clinical testing. Allele origin: germline. Observed: 1 variant allele, 1 heterozygote.